The following is an entry in ClinVar:

NM_001009944.3(PKD1):c.10895_10898del (p.Glu3632fs)

Genes: PKD1 (polycystin 1, transient receptor potential channel interacting; minus strand), PKD1-AS1 (PKD1 antisense RNA 1; plus strand). Cytogenetic location: 16p13.3.
Variant type: Microsatellite.
Coding change: c.10895_10898del on transcript NM_001009944.3 (MANE Select); coding-DNA positions 10895 to 10898, 4 bases deleted (AGAG; older notation c.10895_10898delAGAG).
Protein change: p.Glu3632fs; shifts the reading frame from glutamic acid 3632.
Molecular consequence: frameshift variant.
Genome position (GRCh38, 1-based): chr16:2,093,662-2,093,665, CTCT deleted on the plus strand (AGAG on the coding strand, the reverse complement: PKD1 is on the minus strand); deleting any 4 consecutive bases within chr16:2,093,662-2,093,667 gives the same sequence; the c. name uses the placement nearest the transcript's 3' end. VCF-style (leftmost placement, unchanged base first): chr16-2093661-GCTCT-G. GRCh37 (hg19) VCF-style: chr16-2143662-GCTCT-G.
Other names: c.10892_10895del, p.Glu3631fs (NM_000296.4); c.10893_10894AG[1], p.Glu3632Alafs (NM_001009944.2); c.10895_10898del (NM_001009944.2); short protein forms E3631fs, E3632fs.
Identifiers: ClinVar variation 3338782 (VCV003338782.1).
Genomic context (GRCh38, chr16:2,093,661, plus strand): 5'-TGCAAAGCCGTGGGGTGGCCGTACGCGGGGCACACGTGCGCTCACAGGCGTCACAGCCGG[GCTCT>G]CTACCAGGGTGTCATCTTCATCCGGGTGCAGCCGCTTGGCCACCAGTGAGAAGTACAGGG-3'

ClinVar aggregate classification (germline): Pathogenic (1 of 4 stars; one submission).

Submission:

GeneDx
Classification: Pathogenic. Last evaluated: 2023-12-01. Review status: criteria provided, single submitter. Criteria: GeneDx Variant Classification Process June 2021. Collection method: clinical testing. Allele origin: germline. Affected: yes.
Comment: Frameshift variant predicted to result in protein truncation or nonsense mediated decay in a gene for which loss of function is a known mechanism of disease; Not observed at significant frequency in large population cohorts (gnomAD); This variant is associated with the following publications: (PMID: 22508176)